The following is an entry in ClinVar:

NM_001211.6(BUB1B):c.1846C>T (p.Arg616Cys)

Gene: BUB1B (BUB1 mitotic checkpoint serine/threonine kinase B; plus strand). Cytogenetic location: 15q15.1.
Variant type: single nucleotide variant.
Coding change: c.1846C>T on transcript NM_001211.6 (MANE Select); coding-DNA position 1846, C replaced by T.
Protein change: p.Arg616Cys; replaces arginine 616 with cysteine.
Molecular consequence: missense variant.
Genome position (GRCh38, 1-based): chr15:40,206,295, C>T. VCF-style: chr15-40206295-C-T. GRCh37 (hg19) VCF-style: chr15-40498496-C-T.
Other names: short protein forms R616C.
Identifiers: ClinVar variation 1061731 (VCV001061731.11), dbSNP rs1429608588, ClinGen allele CA391692522.

ClinVar aggregate classification (germline): Uncertain significance. Review status: criteria provided, multiple submitters, no conflicts (2 of 4 stars). 2 submissions from 2 submitters: Uncertain significance (2). Last evaluated 2024-02-10.

Conditions:
Inborn genetic diseases. Identifiers: MedGen C0950123, MeSH D030342.
Mosaic variegated aneuploidy syndrome 1 (MVA1). Also called: Warburton-Anyane-Yeboa syndrome. Identifiers: Orphanet 1052, MedGen C1850343, MONDO:0009759, OMIM 257300.

Allele frequency attached by ClinVar (database versions not stated): gnomAD exomes below 0.00001.
gnomAD v4.1: 7 of 1,614,134 alleles (0.00043%); highest among the groups gnomAD compares: Middle Eastern, 0.016%; no homozygotes.

Submissions (2):

Ambry Genetics
Classification: Uncertain significance for Inborn genetic diseases. Last evaluated: 2024-02-10. Review status: criteria provided, single submitter. Criteria: Ambry Variant Classification Scheme 2023. Collection method: clinical testing. Allele origin: germline.
Comment: The p.R616C variant (also known as c.1846C>T), located in coding exon 15 of the BUB1B gene, results from a C to T substitution at nucleotide position 1846. The arginine at codon 616 is replaced by cysteine, an amino acid with highly dissimilar properties. This amino acid position is conserved. In addition, this alteration is predicted to be tolerated by in silico analysis. Since supporting evidence is limited at this time, the clinical significance of this alteration remains unclear.

Labcorp Genetics (formerly Invitae), Labcorp
Classification: Uncertain significance for Mosaic variegated aneuploidy syndrome 1. Last evaluated: 2020-03-17. Review status: criteria provided, single submitter. Criteria: Invitae Variant Classification Sherloc (09022015). Collection method: clinical testing. Allele origin: germline.
Comment: This sequence change replaces arginine with cysteine at codon 616 of the BUB1B protein (p.Arg616Cys). The arginine residue is weakly conserved and there is a large physicochemical difference between arginine and cysteine. This variant is not present in population databases (ExAC no frequency). This variant has not been reported in the literature in individuals with BUB1B-related conditions. Algorithms developed to predict the effect of missense changes on protein structure and function are either unavailable or do not agree on the potential impact of this missense change (SIFT: "Tolerated"; PolyPhen-2: "Possibly Damaging"; Align-GVGD: "Class C0"). In summary, the available evidence is currently insufficient to determine the role of this variant in disease. Therefore, it has been classified as a Variant of Uncertain Significance.